The following is an entry in ClinVar:

ClinVar aggregate classification (germline): Uncertain significance (1 of 4 stars; one submission).

Conditions:
Charcot-Marie-Tooth disease, type I (CMT1). Also called: Charcot-Marie-Tooth, Type 1; Charcot-Marie-Tooth disease type 1. Identifiers: Orphanet 65753, MedGen C0751036, MONDO:0019011.

Submission:

Labcorp Genetics (formerly Invitae), Labcorp
Classification: Uncertain significance for Charcot-Marie-Tooth disease, type I. Last evaluated: 2022-09-20. Review status: criteria provided, single submitter. Criteria: Invitae Variant Classification Sherloc (09022015). Collection method: clinical testing. Allele origin: germline.
Comment: In summary, the available evidence is currently insufficient to determine the role of this variant in disease. Therefore, it has been classified as a Variant of Uncertain Significance. This variant, c.517_519del, results in the deletion of 1 amino acid(s) of the EGR2 protein (p.Pro173del), but otherwise preserves the integrity of the reading frame. This variant is not present in population databases (gnomAD no frequency). This variant has not been reported in the literature in individuals affected with EGR2-related conditions. Experimental studies and prediction algorithms are not available or were not evaluated, and the functional significance of this variant is currently unknown.

NM_000399.5(EGR2):c.508CCT[3] (p.Pro173del)

Gene: EGR2 (early growth response 2; minus strand). Cytogenetic location: 10q21.3.
Variant type: Microsatellite.
Coding change: c.508CCT[3] on transcript NM_000399.5 (MANE Select); three copies in a row of the 3-base unit CCT starting at c.508; the reference has four copies in a row; one copy, 3 bases deleted.
Protein change: p.Pro173del; deletes proline 173.
Molecular consequence: inframe deletion. On other transcripts: inframe indel (1).
Genome position (GRCh38, 1-based): chr10:62,814,119-62,814,121, AGG deleted on the plus strand (CCT on the coding strand, the reverse complement: EGR2 is on the minus strand); deleting any 3 consecutive bases within chr10:62,814,119-62,814,130 gives the same sequence; the position shown is the placement nearest the transcript's 3' end. VCF-style (leftmost placement, unchanged base first): chr10-62814118-AAGG-A. GRCh37 (hg19) VCF-style: chr10-64573878-AAGG-A.
Other names: c.508CCT[3], p.Pro173del (NM_001136177.3, NM_001136178.2); c.358CCT[3], p.Pro123del (NM_001136179.3, NM_001321037.2); c.547_549CCT[3], p.Pro186del (NM_001410931.1); short protein forms P186del, P173del, P123del.
Identifiers: ClinVar variation 1927221 (VCV001927221.5), dbSNP rs756443238, ClinGen allele CA2580615486.